The following is an entry in ClinVar:

NM_004525.3(LRP2):c.5395-12C>G

Gene: LRP2 (LDL receptor related protein 2; minus strand). Cytogenetic location: 2q31.1.
Variant type: single nucleotide variant.
Coding change: c.5395-12C>G on transcript NM_004525.3 (MANE Select); 12 bases into the intron before coding-DNA position 5395, C replaced by G.
Molecular consequence: intron variant.
Genome position (GRCh38, 1-based): chr2:169,225,465, G>C on the plus strand (C>G on the coding strand, the complement: LRP2 is on the minus strand). VCF-style: chr2-169225465-G-C. GRCh37 (hg19) VCF-style: chr2-170081975-G-C.
Identifiers: ClinVar variation 893845 (VCV000893845.17), dbSNP rs141206999, ClinGen allele CA1954534.

ClinVar aggregate classification (germline): Benign/Likely benign. Review status: criteria provided, multiple submitters, no conflicts (2 of 4 stars). 6 submissions from 6 submitters: Benign (5); Likely benign (1). Last evaluated 2026-01-27.

Conditions:
Donnai-Barrow syndrome. Also called: FACIOOCULOACOUSTICORENAL SYNDROME; DBS/FOAR SYNDROME. Identifiers: Orphanet 2143, MedGen C1857277, MONDO:0009104, OMIM 222448.

Allele frequency attached by ClinVar (database versions not stated): ESP Exome Variant Server 0.00408; TOPMed 0.00447; 1000 Genomes Project 30x 0.00484; gnomAD exomes 0.00038 and 0.00108; ExAC 0.00122; 1000 Genomes Project 0.00399.
gnomAD v4.1: 1,181 of 1,613,816 alleles (0.073%); highest among the groups gnomAD compares: African/African-American, 1.4%; 4 homozygotes.

Submissions (6):

Labcorp Genetics (formerly Invitae), Labcorp
Classification: Benign. Last evaluated: 2026-01-27. Review status: criteria provided, single submitter. Criteria: Invitae Variant Classification Sherloc (09022015). Collection method: clinical testing. Allele origin: germline.

Blueprint Genetics
Classification: Likely benign. Last evaluated: 2024-08-22. Review status: criteria provided, single submitter. Criteria: ACMG Guidelines, 2015. Collection method: clinical testing. Allele origin: germline.

Fulgent Genetics
Classification: Benign for Donnai-Barrow syndrome. Last evaluated: 2021-09-27. Review status: criteria provided, single submitter. Criteria: ACMG Guidelines, 2015. Collection method: clinical testing. Allele origin: unknown.

Genome-Nilou Lab
Classification: Benign for Donnai-Barrow syndrome. Last evaluated: 2021-07-15. Review status: criteria provided, single submitter. Criteria: ACMG Guidelines, 2015. Collection method: clinical testing. Allele origin: germline. Affected: no.

Illumina Laboratory Services, Illumina
Classification: Benign for Donnai-Barrow syndrome. Last evaluated: 2017-04-28. Review status: criteria provided, single submitter. Criteria: ICSL Variant Classification Criteria 13 December 2019. Collection method: clinical testing. Allele origin: germline.
Comment: This variant was observed as part of a predisposition screen in an ostensibly healthy population. A literature search was performed for the gene, cDNA change, and amino acid change (where applicable). No publications were found based on this search. Allele frequency data from public databases was too high to be consistent with this variant causing disease. Therefore, this variant is classified as benign.

Breakthrough Genomics
Classification: Benign. Review status: criteria provided, single submitter. Criteria: ACMG Guidelines, 2015. Collection method: not provided. Allele origin: germline. Inheritance: Autosomal recessive inheritance. Affected: yes.